The following is an entry in ClinVar:

NM_033026.6(PCLO):c.11870T>C (p.Met3957Thr)

Gene: PCLO (piccolo presynaptic cytomatrix protein; minus strand). Cytogenetic location: 7q21.11.
Variant type: single nucleotide variant.
Coding change: c.11870T>C on transcript NM_033026.6 (MANE Select); coding-DNA position 11870, T replaced by C.
Protein change: p.Met3957Thr; replaces methionine 3957 with threonine.
Molecular consequence: missense variant.
Genome position (GRCh38, 1-based): chr7:82,916,116, A>G on the plus strand (T>C on the coding strand, the complement: PCLO is on the minus strand). VCF-style: chr7-82916116-A-G. GRCh37 (hg19) VCF-style: chr7-82545432-A-G.
Other names: c.11870T>C, p.Met3957Thr (NM_014510.3); short protein forms M3957T.
Identifiers: ClinVar variation 1507760 (VCV001507760.3), dbSNP rs746811912, ClinGen allele CA4319492.
Genomic context (GRCh38, chr7:82,916,116, plus strand): 5'-TTTGAGGTTATCTTGGGCTCCAAATATAATGTAGTTTGCCGTGGCTTCTGTTGTATCACC[A>G]TCATCTGTGAAGGTAACTGATAAGAAGGCTGTGGGGTTGGTGTAGGTTGAACTTGAGGTG-3'
Protein context (NP_149015.2, residues 3947-3967): QPSYQLPSQM[Met3957Thr]VIQQKPRQTT

ClinVar aggregate classification (germline): Uncertain significance (1 of 4 stars; one submission).

Allele frequency attached by ClinVar (database versions not stated): gnomAD 0.00001; gnomAD exomes 0.00001 and 0.00002; ExAC 0.00002; TOPMed 0.00002.

Submission:

Labcorp Genetics (formerly Invitae), Labcorp
Classification: Uncertain significance. Last evaluated: 2022-08-03. Review status: criteria provided, single submitter. Criteria: Invitae Variant Classification Sherloc (09022015). Collection method: clinical testing. Allele origin: germline.
Comment: This sequence change replaces methionine, which is neutral and non-polar, with threonine, which is neutral and polar, at codon 3957 of the PCLO protein (p.Met3957Thr). This variant is present in population databases (rs746811912, gnomAD 0.01%). This variant has not been reported in the literature in individuals affected with PCLO-related conditions. ClinVar contains an entry for this variant (Variation ID: 1507760). Algorithms developed to predict the effect of missense changes on protein structure and function are either unavailable or do not agree on the potential impact of this missense change (SIFT: "Deleterious"; PolyPhen-2: "Not Available"; Align-GVGD: "Class C0"). In summary, the available evidence is currently insufficient to determine the role of this variant in disease. Therefore, it has been classified as a Variant of Uncertain Significance.